The following is an entry in ClinVar:

ClinVar aggregate classification (germline): Pathogenic (1 of 4 stars; one submission).

Conditions:
Curry-Hall syndrome (WAD). Also called: WEYERS ACRODENTAL DYSOSTOSIS. Identifiers: Orphanet 952, MedGen C0457013, MONDO:0008673, OMIM 193530.
Ellis-van Creveld syndrome (EVC). Also called: EVC-Related Ellis-van Creveld Syndrome; EVC2-Related Ellis-van Creveld Syndrome; MESOECTODERMAL DYSPLASIA; Chondroectodermal dysplasia. Identifiers: Orphanet 289, MedGen C0013903, MONDO:0009162, OMIM 225500.

Submission:

Labcorp Genetics (formerly Invitae), Labcorp
Classification: Pathogenic for Curry-Hall syndrome; Ellis-van Creveld syndrome. Last evaluated: 2023-04-06. Review status: criteria provided, single submitter. Criteria: Invitae Variant Classification Sherloc (09022015). Collection method: clinical testing. Allele origin: germline.
Comment: This sequence change affects an acceptor splice site in intron 12 of the EVC gene. It is expected to disrupt RNA splicing. Variants that disrupt the donor or acceptor splice site typically lead to a loss of protein function (PMID: 16199547), and loss-of-function variants in EVC are known to be pathogenic (PMID: 23220543). This variant is not present in population databases (gnomAD no frequency). Disruption of this splice site has been observed in individuals with Ellis-van Creveld syndrome (PMID: 17024374, 23220543). Algorithms developed to predict the effect of sequence changes on RNA splicing suggest that this variant may disrupt the consensus splice site. For these reasons, this variant has been classified as Pathogenic.

Literature cited by the submitters: PubMed 16199547; PubMed 23220543; PubMed 17024374.

NM_153717.3(EVC):c.1777-2A>C

Gene: EVC (EvC ciliary complex subunit 1; plus strand). Cytogenetic location: 4p16.2.
Variant type: single nucleotide variant.
Coding change: c.1777-2A>C on transcript NM_153717.3 (MANE Select); the canonical splice acceptor site of the intron before coding-DNA position 1777, A replaced by C.
Molecular consequence: splice acceptor variant.
Genome position (GRCh38, 1-based): chr4:5,793,606, A>C. VCF-style: chr4-5793606-A-C. GRCh37 (hg19) VCF-style: chr4-5795333-A-C.
Other names: c.1777-2A>C (NM_001306090.2).
Identifiers: ClinVar variation 2946165 (VCV002946165.3), dbSNP rs909612975, ClinGen allele CA356141466.